The following is an entry in ClinVar:

NM_002485.5(NBN):c.787T>A (p.Phe263Ile)

Gene: NBN (nibrin; minus strand). Cytogenetic location: 8q21.3.
Variant type: single nucleotide variant.
Coding change: c.787T>A on transcript NM_002485.5 (MANE Select); coding-DNA position 787, T replaced by A.
Protein change: p.Phe263Ile; replaces phenylalanine 263 with isoleucine.
Molecular consequence: missense variant.
Genome position (GRCh38, 1-based): chr8:89,970,473, A>T on the plus strand (T>A on the coding strand, the complement: NBN is on the minus strand). VCF-style: chr8-89970473-A-T. GRCh37 (hg19) VCF-style: chr8-90982701-A-T.
Other names: c.541T>A, p.Phe181Ile (NM_001024688.3); short protein forms F263I, F181I.
Identifiers: ClinVar variation 483972 (VCV000483972.24), dbSNP rs1554563966, ClinGen allele CA371658648.
Genomic context (GRCh38, chr8:89,970,473, plus strand): 5'-GAATTAAGGTCTGTGAGTTTGTTATTCCTGTATCAACAACACACGTTCCCGGAGCCAAAA[A>T]GAAATTATGTTCTTCTTCATTCTCTTCTGTTATCAACCTAGCTTCCCCACCTCCAAAGAC-3'
Protein context (NP_002476.2, residues 253-273): TEENEEEHNF[Phe263Ile]LAPGTCVVDT

ClinVar aggregate classification (germline): Uncertain significance. Review status: criteria provided, multiple submitters, no conflicts (2 of 4 stars). 3 submissions from 3 submitters: Uncertain significance (3). Last evaluated 2024-03-20.

Conditions:
Hereditary cancer-predisposing syndrome. Also called: Hereditary neoplastic syndrome; Neoplastic Syndromes, Hereditary; Tumor predisposition; Hereditary Cancer Syndrome. Identifiers: Orphanet 140162, MedGen C0027672, MeSH D009386, MONDO:0015356.
Microcephaly, normal intelligence and immunodeficiency (NBS). Also called: IMMUNODEFICIENCY, MICROCEPHALY, AND CHROMOSOMAL INSTABILITY; SEEMANOVA SYNDROME II; Nijmegen breakage syndrome; Microcephaly with normal intelligence immunodeficiency and lymphoreticular malignancies; Nonsyndromal microcephaly autosomal recessive with normal intelligence; Seemanova syndrome 2. Identifiers: Orphanet 647, MedGen C0398791, MONDO:0009623, OMIM 251260.

Allele frequency attached by ClinVar (database versions not stated): gnomAD exomes below 0.00001.
gnomAD v4.1: 5 of 1,614,008 alleles (0.00031%); highest among the groups gnomAD compares: Non-Finnish European, 0.00042%; no homozygotes.

Submissions (3):

Ambry Genetics
Classification: Uncertain significance for Hereditary cancer-predisposing syndrome. Last evaluated: 2024-03-20. Review status: criteria provided, single submitter. Criteria: Ambry Variant Classification Scheme 2023. Collection method: clinical testing. Allele origin: germline.
Comment: The p.F263I variant (also known as c.787T>A), located in coding exon 7 of the NBN gene, results from a T to A substitution at nucleotide position 787. The phenylalanine at codon 263 is replaced by isoleucine, an amino acid with highly similar properties. This amino acid position is well conserved in available vertebrate species. In addition, this alteration is predicted to be tolerated by in silico analysis. Since supporting evidence is limited at this time, the clinical significance of this alteration remains unclear.

Labcorp Genetics (formerly Invitae), Labcorp
Classification: Uncertain significance for Microcephaly, normal intelligence and immunodeficiency. Last evaluated: 2022-08-19. Review status: criteria provided, single submitter. Criteria: Invitae Variant Classification Sherloc (09022015). Collection method: clinical testing. Allele origin: germline.
Comment: In summary, the available evidence is currently insufficient to determine the role of this variant in disease. Therefore, it has been classified as a Variant of Uncertain Significance. Algorithms developed to predict the effect of missense changes on protein structure and function (SIFT, PolyPhen-2, Align-GVGD) all suggest that this variant is likely to be tolerated. ClinVar contains an entry for this variant (Variation ID: 483972). This variant has not been reported in the literature in individuals affected with NBN-related conditions. This variant is not present in population databases (gnomAD no frequency). This sequence change replaces phenylalanine, which is neutral and non-polar, with isoleucine, which is neutral and non-polar, at codon 263 of the NBN protein (p.Phe263Ile).

Genome-Nilou Lab
Classification: Uncertain significance for Microcephaly, normal intelligence and immunodeficiency. Last evaluated: 2021-11-07. Review status: criteria provided, single submitter. Criteria: ACMG Guidelines, 2015. Collection method: clinical testing. Allele origin: germline. Affected: no.